The following is an entry in ClinVar:

ClinVar aggregate classification (germline): Likely benign. Review status: criteria provided, multiple submitters, no conflicts (2 of 4 stars). 3 submissions from 3 submitters: Likely benign (2). 1 of the submissions does not count toward it. Last evaluated 2025-12-22.

Conditions:
LTBP3-related disorder. Also called: LTBP3-related condition.
Inborn genetic diseases. Identifiers: MedGen C0950123, MeSH D030342.
Brachyolmia-amelogenesis imperfecta syndrome. Also called: Tooth agenesis, selective, 6; Dental anomalies and short stature; PLATYSPONDYLY WITH AMELOGENESIS IMPERFECTA. Identifiers: Orphanet 2899, MedGen C1832594, MONDO:0011018, OMIM 601216. Disease mechanism: loss of function.

Allele frequency attached by ClinVar (database versions not stated): gnomAD exomes 0.00003 and 0.00004; gnomAD 0.00022; TOPMed 0.00023; 1000 Genomes Project 0.00040; 1000 Genomes Project 30x 0.00047.
gnomAD v4.1: 68 of 1,485,450 alleles (0.0046%); highest among the groups gnomAD compares: African/African-American, 0.083%; no homozygotes.

Submissions (3):

Labcorp Genetics (formerly Invitae), Labcorp
Classification: Likely benign for Brachyolmia-amelogenesis imperfecta syndrome. Last evaluated: 2025-12-22. Review status: criteria provided, single submitter. Criteria: Invitae Variant Classification Sherloc (09022015). Collection method: clinical testing. Allele origin: germline.

Ambry Genetics
Classification: Likely benign for Inborn genetic diseases. Last evaluated: 2022-08-22. Review status: criteria provided, single submitter. Criteria: Ambry Variant Classification Scheme 2023. Collection method: clinical testing. Allele origin: germline.

PreventionGenetics, part of Exact Sciences
Classification: Likely benign for LTBP3-related condition. Last evaluated: 2019-05-23. Review status: no assertion criteria provided. Collection method: clinical testing. Allele origin: germline. Not counted in ClinVar's aggregate classification.
Comment: This variant is classified as likely benign based on ACMG/AMP sequence variant interpretation guidelines (Richards et al. 2015 PMID: 25741868, with internal and published modifications).

NM_001130144.3(LTBP3):c.3858C>T (p.Ala1286=)

Gene: LTBP3 (latent transforming growth factor beta binding protein 3; minus strand). Cytogenetic location: 11q13.1.
Variant type: single nucleotide variant.
Coding change: c.3858C>T on transcript NM_001130144.3 (MANE Select); coding-DNA position 3858, C replaced by T.
Protein change: p.Ala1286=; no amino-acid change (alanine 1286 retained).
Molecular consequence: synonymous variant.
Genome position (GRCh38, 1-based): chr11:65,539,134, G>A on the plus strand (C>T on the coding strand, the complement: LTBP3 is on the minus strand). VCF-style: chr11-65539134-G-A. GRCh37 (hg19) VCF-style: chr11-65306605-G-A.
Other names: c.3366C>T, p.Ala1122= (NM_001164266.1); c.3717C>T, p.Ala1239= (NM_021070.4).
Identifiers: ClinVar variation 1614101 (VCV001614101.12), dbSNP rs555971472, ClinGen allele CA6100173.